The following is an entry in ClinVar:

ClinVar aggregate classification (germline): Uncertain significance (1 of 4 stars; one submission).

Submission:

Ambry Genetics
Classification: Uncertain significance. Last evaluated: 2022-02-05. Review status: criteria provided, single submitter. Criteria: Ambry Variant Classification Scheme 2023. Collection method: clinical testing. Allele origin: germline.
Comment: The p.M937I variant (also known as c.2811G>C), located in coding exon 25 of the PRKDC gene, results from a G to C substitution at nucleotide position 2811. The methionine at codon 937 is replaced by isoleucine, an amino acid with highly similar properties. This amino acid position is conserved. In addition, this alteration is predicted to be tolerated by in silico analysis. Since supporting evidence is limited at this time, the clinical significance of this alteration remains unclear.

NM_006904.7(PRKDC):c.2811G>C (p.Met937Ile)

Gene: PRKDC (protein kinase, DNA-activated, catalytic subunit; minus strand). Cytogenetic location: 8q11.21.
Variant type: single nucleotide variant.
Coding change: c.2811G>C on transcript NM_006904.7 (MANE Select); coding-DNA position 2811, G replaced by C.
Protein change: p.Met937Ile; replaces methionine 937 with isoleucine.
Molecular consequence: missense variant.
Genome position (GRCh38, 1-based): chr8:47,912,533, C>G on the plus strand (G>C on the coding strand, the complement: PRKDC is on the minus strand). VCF-style: chr8-47912533-C-G. GRCh37 (hg19) VCF-style: chr8-48825093-C-G.
Other names: c.2811G>C, p.Met937Ile (NM_001081640.2); short protein forms M937I.
Identifiers: ClinVar variation 1796339 (VCV001796339.2), dbSNP rs2551876672, ClinGen allele CA371158913.
Genomic context (GRCh38, chr8:47,912,533, plus strand): 5'-GGGTGGGGCTCCCTGTCCCCCTTCTGGCATCTGCGTGGCTTTGCCCAACATAAACATAAC[C>G]ATGCTATGTAAAAGTTCACAGGCTGCAACCTAAAACAGACCAGGAGGTCAGCAATGTTTA-3'
Protein context (NP_008835.5, residues 927-947): KVAACELLHS[Met937Ile]VMFMLGKATQ